The following is an entry in ClinVar:

NM_015215.4(CAMTA1):c.3307C>G (p.Pro1103Ala)

Gene: CAMTA1 (calmodulin binding transcription activator 1; plus strand). Cytogenetic location: 1p36.23.
Variant type: single nucleotide variant.
Coding change: c.3307C>G on transcript NM_015215.4 (MANE Select); coding-DNA position 3307, C replaced by G.
Protein change: p.Pro1103Ala; replaces proline 1103 with alanine.
Molecular consequence: missense variant.
Genome position (GRCh38, 1-based): chr1:7,736,974, C>G. VCF-style: chr1-7736974-C-G. GRCh37 (hg19) VCF-style: chr1-7797034-C-G.
Other names: c.3217C>G, p.Pro1073Ala (NM_001349608.2, NM_001349612.2); c.3307C>G, p.Pro1103Ala (NM_001349609.2, NM_001349610.2, NM_001410737.1); c.436C>G, p.Pro146Ala (NM_001349613.1); c.379C>G, p.Pro127Ala (NM_001349614.1, NM_001349615.2, NM_001349616.2 and 10 more transcripts); c.3235C>G, p.Pro1079Ala (NM_001410738.1); short protein forms P1073A, P1079A, P1103A, P127A, P146A.
Identifiers: ClinVar variation 5039009 (VCV005039009.1).

ClinVar aggregate classification (germline): Likely benign (1 of 4 stars; one submission).

gnomAD v4.1: 1 of 1,613,398 alleles (0.000062%); highest among the groups gnomAD compares: Middle Eastern, 0.016%; no homozygotes.

Submission:

CeGaT Center for Human Genetics Tuebingen
Classification: Likely benign. Last evaluated: 2026-07-01. Review status: criteria provided, single submitter. Criteria: CeGaT Center For Human Genetics Tuebingen Variant Classification Criteria Version 2. Collection method: clinical testing. Allele origin: germline. Affected: yes. Observed: 1 variant allele.
Comment: CAMTA1: PP2, BS2